The following is an entry in ClinVar:

NM_000432.4(MYL2):c.203A>G (p.Glu68Gly)

Gene: MYL2 (myosin light chain 2; minus strand). Cytogenetic location: 12q24.11.
Variant type: single nucleotide variant.
Coding change: c.203A>G on transcript NM_000432.4 (MANE Select); coding-DNA position 203, A replaced by G.
Protein change: p.Glu68Gly; replaces glutamic acid 68 with glycine.
Molecular consequence: missense variant.
Genome position (GRCh38, 1-based): chr12:110,914,257, T>C on the plus strand (A>G on the coding strand, the complement: MYL2 is on the minus strand). VCF-style: chr12-110914257-T-C. GRCh37 (hg19) VCF-style: chr12-111352061-T-C.
Other names: short protein forms E68G.
Identifiers: ClinVar variation 567448 (VCV000567448.11), dbSNP rs752456288, ClinGen allele CA040751.

ClinVar aggregate classification (germline): Uncertain significance. Review status: criteria provided, multiple submitters, no conflicts (2 of 4 stars). 5 submissions from 5 submitters: Uncertain significance (5). Last evaluated 2025-04-02.

Conditions:
Cardiovascular phenotype. Identifiers: MedGen CN230736.
Cardiomyopathy (CMYO). Also called: Cardiomyopathies. Identifiers: Orphanet 167848, MedGen C0878544, MONDO:0004994, HP:0001638. Inheritance: Various modes of inheritance.
Hypertrophic cardiomyopathy 10. Also called: MYL2-Related Familial Hypertrophic Cardiomyopathy; CARDIOMYOPATHY, HYPERTROPHIC, MID-LEFT VENTRICULAR CHAMBER TYPE, 2. Identifiers: MedGen C1834460, MONDO:0012112, OMIM 608758.
Myopathy, myofibrillar, 12, infantile-onset, with cardiomyopathy. Identifiers: MedGen C5561937, MONDO:0859168, OMIM 619424.
Hypertrophic cardiomyopathy. Also called: HYPERTROPHIC MYOCARDIOPATHY. Identifiers: Orphanet 217569, MedGen C0007194, MeSH D002312, MONDO:0005045, HP:0001639.

Allele frequency attached by ClinVar (database versions not stated): ExAC 0.00001; gnomAD exomes 0.00001; gnomAD 0.00002; TOPMed 0.00002.
gnomAD v4.1: 12 of 1,613,904 alleles (0.00074%); highest among the groups gnomAD compares: Non-Finnish European, 0.001%; no homozygotes.

Submissions (5):

Ambry Genetics
Classification: Uncertain significance for Cardiovascular phenotype. Last evaluated: 2025-04-02. Review status: criteria provided, single submitter. Criteria: Ambry Variant Classification Scheme 2023. Collection method: clinical testing. Allele origin: germline.
Comment: The p.E68G variant (also known as c.203A>G), located in coding exon 4 of the MYL2 gene, results from an A to G substitution at nucleotide position 203. The glutamic acid at codon 68 is replaced by glycine, an amino acid with similar properties. This amino acid position is conserved. In addition, this alteration is predicted to be tolerated by in silico analysis. Based on the available evidence, the clinical significance of this variant remains unclear.

Color Diagnostics, LLC DBA Color Health
Classification: Uncertain significance for Cardiomyopathy. Last evaluated: 2024-06-04. Review status: criteria provided, single submitter. Criteria: ACMG Guidelines, 2015. Collection method: clinical testing. Allele origin: germline.
Comment: This missense variant replaces glutamic acid with glycine at codon 68 of the MYL2 protein. Computational prediction suggests that this variant may not impact protein structure and function. To our knowledge, functional studies have not been reported for this variant. This variant has not been reported in individuals affected with MYL2-related disorders in the literature. This variant has been identified in 2/251486 chromosomes in the general population by the Genome Aggregation Database (gnomAD). The available evidence is insufficient to determine the role of this variant in disease conclusively. Therefore, this variant is classified as a Variant of Uncertain Significance.

All of Us Research Program, National Institutes of Health
Classification: Uncertain significance for Hypertrophic cardiomyopathy. Last evaluated: 2023-12-01. Review status: criteria provided, single submitter. Criteria: ACMG Guidelines, 2015. Collection method: clinical testing. Allele origin: germline. Inheritance: Autosomal dominant inheritance. Observed: 3 variant alleles, 3 heterozygotes.
Comment: This study involves interpretation of variants in research participants for the purpose of population health screening. Participant phenotype was not available at the time of variant classification. Additional details can be found in publication PMID: 35346344, PMCID: PMC8962531

Labcorp Genetics (formerly Invitae), Labcorp
Classification: Uncertain significance for Hypertrophic cardiomyopathy 10. Last evaluated: 2022-10-24. Review status: criteria provided, single submitter. Criteria: Invitae Variant Classification Sherloc (09022015). Collection method: clinical testing. Allele origin: germline.
Comment: This sequence change replaces glutamic acid, which is acidic and polar, with glycine, which is neutral and non-polar, at codon 68 of the MYL2 protein (p.Glu68Gly). This variant is present in population databases (rs752456288, gnomAD 0.0009%). This variant has not been reported in the literature in individuals affected with MYL2-related conditions. ClinVar contains an entry for this variant (Variation ID: 567448). Algorithms developed to predict the effect of missense changes on protein structure and function (SIFT, PolyPhen-2, Align-GVGD) all suggest that this variant is likely to be tolerated. In summary, the available evidence is currently insufficient to determine the role of this variant in disease. Therefore, it has been classified as a Variant of Uncertain Significance.

Fulgent Genetics
Classification: Uncertain significance for Hypertrophic cardiomyopathy 10; Myopathy, myofibrillar, 12, infantile-onset, with cardiomyopathy. Last evaluated: 2021-09-29. Review status: criteria provided, single submitter. Criteria: ACMG Guidelines, 2015. Collection method: clinical testing. Allele origin: unknown.